The following is an entry in ClinVar:

ClinVar aggregate classification (germline): Uncertain significance (1 of 4 stars; one submission).

Allele frequency attached by ClinVar (database versions not stated): gnomAD 0.00001; TOPMed 0.00001.
gnomAD v4.1: 15 of 1,586,298 alleles (0.00095%); highest among the groups gnomAD compares: African/African-American, 0.0014%; no homozygotes.

Submission:

Labcorp Genetics (formerly Invitae), Labcorp
Classification: Uncertain significance. Last evaluated: 2023-02-14. Review status: criteria provided, single submitter. Criteria: Invitae Variant Classification Sherloc (09022015). Collection method: clinical testing. Allele origin: germline.
Comment: In summary, the available evidence is currently insufficient to determine the role of this variant in disease. Therefore, it has been classified as a Variant of Uncertain Significance. Advanced modeling of protein sequence and biophysical properties (such as structural, functional, and spatial information, amino acid conservation, physicochemical variation, residue mobility, and thermodynamic stability) performed at Invitae indicates that this missense variant is not expected to disrupt TBX6 protein function. This variant has not been reported in the literature in individuals affected with TBX6-related conditions. The frequency data for this variant in the population databases is considered unreliable, as metrics indicate poor data quality at this position in the gnomAD database. This sequence change replaces alanine, which is neutral and non-polar, with threonine, which is neutral and polar, at codon 335 of the TBX6 protein (p.Ala335Thr).

NM_004608.4(TBX6):c.1003G>A (p.Ala335Thr)

Gene: TBX6 (T-box transcription factor 6; minus strand). Cytogenetic location: 16p11.2.
Variant type: single nucleotide variant.
Coding change: c.1003G>A on transcript NM_004608.4 (MANE Select); coding-DNA position 1003, G replaced by A.
Protein change: p.Ala335Thr; replaces alanine 335 with threonine.
Molecular consequence: missense variant.
Genome position (GRCh38, 1-based): chr16:30,086,606, C>T on the plus strand (G>A on the coding strand, the complement: TBX6 is on the minus strand). VCF-style: chr16-30086606-C-T. GRCh37 (hg19) VCF-style: chr16-30097927-C-T.
Other names: short protein forms A335T.
Identifiers: ClinVar variation 3018802 (VCV003018802.3), dbSNP rs766116040, ClinGen allele CA280429391.
Genomic context (GRCh38, chr16:30,086,606, plus strand): 5'-CCGCAGGGTGCAGGAGGTAGGCCTCAGCACTGGGGCCACCACACAGAGGTGCCGGGGCAG[C>T]GGTGGCTTCCCCGGGGGCTGGGGCCTGTTCTGGATCTGATTCACGAATGTCTCCACCCAG-3'
Protein context (NP_004599.2, residues 325-345): EQAPAPGEAT[Ala335Thr]APAPLCGGPS